The following is an entry in ClinVar:

ClinVar aggregate classification (germline): Conflicting classifications of pathogenicity. Review status: criteria provided, conflicting classifications (1 of 4 stars). 3 submissions from 3 submitters: Uncertain significance (2); Benign (1). Last evaluated 2025-11-10.

Conditions:
Norman-Roberts syndrome (LIS2). Also called: Lissencephaly 2 (Norman-Roberts type). Identifiers: Orphanet 89844, MedGen C0796089, MONDO:0009760, OMIM 257320.
Familial temporal lobe epilepsy 7. Identifiers: Orphanet 101046, MedGen C4225327, MONDO:0014639, OMIM 616436.

Allele frequency attached by ClinVar (database versions not stated): gnomAD exomes 0.00001 and 0.00002; ExAC 0.00002; TOPMed 0.00009; ESP Exome Variant Server 0.00023.
gnomAD v4.1: 26 of 1,612,064 alleles (0.0016%); highest among the groups gnomAD compares: African/African-American, 0.035%; no homozygotes.

Submissions (3):

Labcorp Genetics (formerly Invitae), Labcorp
Classification: Benign for Familial temporal lobe epilepsy 7; Norman-Roberts syndrome. Last evaluated: 2025-11-10. Review status: criteria provided, single submitter. Criteria: Invitae Variant Classification Sherloc (09022015). Collection method: clinical testing. Allele origin: germline.

GeneDx
Classification: Uncertain significance. Last evaluated: 2025-04-17. Review status: criteria provided, single submitter. Criteria: GeneDx Variant Classification Process June 2021. Collection method: clinical testing. Allele origin: germline. Affected: yes.
Comment: In silico analysis indicates that this missense variant does not alter protein structure/function; Has not been previously published as pathogenic or benign to our knowledge

Women's Health and Genetics/Laboratory Corporation of America, LabCorp
Classification: Uncertain significance. Last evaluated: 2024-10-10. Review status: criteria provided, single submitter. Criteria: LabCorp Variant Classification Summary - May 2015. Collection method: clinical testing. Allele origin: germline.
Comment: Variant summary: RELN c.1915C>A (p.Leu639Ile) results in a conservative amino acid change in the encoded protein sequence. Four of five in-silico tools predict a benign effect of the variant on protein function. The variant allele was found at a frequency of 2e-05 in 250906 control chromosomes, predominantly at a frequency of 0.00031 within the African or African-American subpopulation in the gnomAD database. The available data on variant occurrences in the general population are insufficient to allow any conclusion about variant significance. To our knowledge, no occurrence of c.1915C>A in individuals affected with Epilepsy Familial Temporal Lobe 7 and no experimental evidence demonstrating its impact on protein function have been reported. ClinVar contains an entry for this variant (Variation ID: 1043796). Based on the evidence outlined above, the variant was classified as uncertain significance.

NM_005045.4(RELN):c.1915C>A (p.Leu639Ile)

Gene: RELN (reelin; minus strand). Cytogenetic location: 7q22.1.
Variant type: single nucleotide variant.
Coding change: c.1915C>A on transcript NM_005045.4 (MANE Select); coding-DNA position 1915, C replaced by A.
Protein change: p.Leu639Ile; replaces leucine 639 with isoleucine.
Molecular consequence: missense variant.
Genome position (GRCh38, 1-based): chr7:103,650,361, G>T on the plus strand (C>A on the coding strand, the complement: RELN is on the minus strand). VCF-style: chr7-103650361-G-T. GRCh37 (hg19) VCF-style: chr7-103290808-G-T.
Other names: c.1915C>A, p.Leu639Ile (NM_173054.3); c.1915C>A (NM_005045.3); short protein forms L639I.
Identifiers: ClinVar variation 1043796 (VCV001043796.10), dbSNP rs150988816, ClinGen allele CA4422133.